The following is an entry in ClinVar:

ClinVar aggregate classification (germline): Uncertain significance. Review status: criteria provided, multiple submitters, no conflicts (2 of 4 stars). 2 submissions from 2 submitters: Uncertain significance (2). Last evaluated 2025-06-25.

Allele frequency attached by ClinVar (database versions not stated): gnomAD exomes 0.00001; gnomAD 0.00005; TOPMed 0.00011.

Submissions (2):

Ambry Genetics
Classification: Uncertain significance. Last evaluated: 2025-06-25. Review status: criteria provided, single submitter. Criteria: Ambry Variant Classification Scheme 2023. Collection method: clinical testing. Allele origin: germline.

Labcorp Genetics (formerly Invitae), Labcorp
Classification: Uncertain significance. Last evaluated: 2022-12-22. Review status: criteria provided, single submitter. Criteria: Invitae Variant Classification Sherloc (09022015). Collection method: clinical testing. Allele origin: germline.
Comment: This sequence change replaces leucine, which is neutral and non-polar, with proline, which is neutral and non-polar, at codon 69 of the MS4A1 protein (p.Leu69Pro). This variant is present in population databases (no rsID available, gnomAD 0.01%). This variant has not been reported in the literature in individuals affected with MS4A1-related conditions. Algorithms developed to predict the effect of missense changes on protein structure and function (SIFT, PolyPhen-2, Align-GVGD) all suggest that this variant is likely to be disruptive. In summary, the available evidence is currently insufficient to determine the role of this variant in disease. Therefore, it has been classified as a Variant of Uncertain Significance.

NM_152866.3(MS4A1):c.206T>C (p.Leu69Pro)

Gene: MS4A1 (membrane spanning 4-domains A1; plus strand). Cytogenetic location: 11q12.2.
Variant type: single nucleotide variant.
Coding change: c.206T>C on transcript NM_152866.3 (MANE Select); coding-DNA position 206, T replaced by C.
Protein change: p.Leu69Pro; replaces leucine 69 with proline.
Molecular consequence: missense variant.
Genome position (GRCh38, 1-based): chr11:60,463,048, T>C. VCF-style: chr11-60463048-T-C. GRCh37 (hg19) VCF-style: chr11-60230521-T-C.
Other names: c.206T>C, p.Leu69Pro (NM_021950.4, NM_152867.2); short protein forms L69P.
Identifiers: ClinVar variation 2484970 (VCV002484970.6), dbSNP rs1289003304, ClinGen allele CA380598545.